The following is an entry in ClinVar:

NM_000238.4(KCNH2):c.2819G>T (p.Ser940Ile)

Gene: KCNH2 (potassium voltage-gated channel subfamily H member 2; minus strand). Cytogenetic location: 7q36.1.
Variant type: single nucleotide variant.
Coding change: c.2819G>T on transcript NM_000238.4 (MANE Select); coding-DNA position 2819, G replaced by T.
Protein change: p.Ser940Ile; replaces serine 940 with isoleucine.
Molecular consequence: missense variant.
Genome position (GRCh38, 1-based): chr7:150,947,752, C>A on the plus strand (G>T on the coding strand, the complement: KCNH2 is on the minus strand). VCF-style: chr7-150947752-C-A. GRCh37 (hg19) VCF-style: chr7-150644840-C-A.
Other names: c.1799G>T, p.Ser600Ile (NM_172057.3); short protein forms S940I, S600I.
Identifiers: ClinVar variation 923239 (VCV000923239.6), dbSNP rs1800965243, ClinGen allele CA369853335.

ClinVar aggregate classification (germline): Uncertain significance (1 of 4 stars; one submission).

Conditions:
Cardiac arrhythmia. Also called: Cardiac rhythm disease; Arrhythmia. Identifiers: MedGen C0003811, MONDO:0007263, HP:0011675.

Submission:

Color Diagnostics, LLC DBA Color Health
Classification: Uncertain significance for Cardiac arrhythmia. Last evaluated: 2024-03-06. Review status: criteria provided, single submitter. Criteria: ACMG Guidelines, 2015. Collection method: clinical testing. Allele origin: germline.
Comment: This missense variant replaces serine with isoleucine at codon 940 of the KCNH2 protein. Computational prediction suggests that this variant may have deleterious impact on protein structure and function (internally defined REVEL score threshold >= 0.7, PMID: 27666373). Splice site prediction tools suggest that this variant may not impact RNA splicing. To our knowledge, functional studies have not been performed for this variant. This variant has not been reported in individuals affected with cardiovascular disorders in the literature. This variant has not been identified in the general population by the Genome Aggregation Database (gnomAD). The available evidence is insufficient to determine the role of this variant in disease conclusively. Therefore, this variant is classified as a Variant of Uncertain Significance.